The following is an entry in ClinVar:

NM_014516.4(CNOT3):c.1037C>G (p.Pro346Arg)

Gene: CNOT3 (CCR4-NOT transcription complex subunit 3; plus strand). Cytogenetic location: 19q13.42.
Variant type: single nucleotide variant.
Coding change: c.1037C>G on transcript NM_014516.4 (MANE Select); coding-DNA position 1037, C replaced by G.
Protein change: p.Pro346Arg; replaces proline 346 with arginine.
Molecular consequence: missense variant.
Genome position (GRCh38, 1-based): chr19:54,148,290, C>G. VCF-style: chr19-54148290-C-G. GRCh37 (hg19) VCF-style: chr19-54652025-C-G.
Other names: short protein forms P346R.
Identifiers: ClinVar variation 3385035 (VCV003385035.1).

ClinVar aggregate classification (germline): Uncertain significance (1 of 4 stars; one submission).

Submission:

Women's Health and Genetics/Laboratory Corporation of America, LabCorp
Classification: Uncertain significance. Last evaluated: 2024-10-01. Review status: criteria provided, single submitter. Criteria: LabCorp Variant Classification Summary - May 2015. Collection method: clinical testing. Allele origin: germline.
Comment: Variant summary: CNOT3 c.1037C>G (p.Pro346Arg) results in a non-conservative amino acid change in the encoded protein sequence. Four of five in-silico tools predict a benign effect of the variant on protein function. The variant was absent in 239192 control chromosomes (gnomAD). The available data on variant occurrences in the general population are insufficient to allow any conclusion about variant significance. To our knowledge, no occurrence of c.1037C>G in individuals affected with Intellectual Developmental Disorder With Speech Delay, Autism, And Dysmorphic Facies and no experimental evidence demonstrating its impact on protein function have been reported. No submitters have cited clinical-significance assessments for this variant to ClinVar. Based on the evidence outlined above, the variant was classified as uncertain significance.